The following is an entry in ClinVar:

NM_000426.4(LAMA2):c.6421G>A (p.Ala2141Thr)

Gene: LAMA2 (laminin subunit alpha 2; plus strand). Cytogenetic location: 6q22.33.
Variant type: single nucleotide variant.
Coding change: c.6421G>A on transcript NM_000426.4 (MANE Select); coding-DNA position 6421, G replaced by A.
Protein change: p.Ala2141Thr; replaces alanine 2141 with threonine.
Molecular consequence: missense variant.
Genome position (GRCh38, 1-based): chr6:129,445,813, G>A. VCF-style: chr6-129445813-G-A. GRCh37 (hg19) VCF-style: chr6-129766958-G-A.
Other names: p.Ala2141Thr; c.6421G>A, p.Ala2141Thr (NM_001079823.2); c.6421G>A (NM_000426.3); short protein forms A2141T.
Identifiers: ClinVar variation 444700 (VCV000444700.44), dbSNP rs768685078, ClinGen allele CA3994252.

ClinVar aggregate classification (germline): Uncertain significance. Review status: criteria provided, multiple submitters, no conflicts (2 of 4 stars). 2 submissions from 2 submitters: Uncertain significance (2). Last evaluated 2024-01-05.

Allele frequency attached by ClinVar (database versions not stated): TOPMed below 0.00001; ExAC 0.00001; gnomAD exomes 0.00001.
gnomAD v4.1: 13 of 1,613,174 alleles (0.00081%); highest among the groups gnomAD compares: African/African-American, 0.0013%; no homozygotes.

Submissions (2):

Mayo Clinic Laboratories, Mayo Clinic
Classification: Uncertain significance. Last evaluated: 2024-01-05. Review status: criteria provided, single submitter. Criteria: ACMG Guidelines, 2015. Collection method: clinical testing. Allele origin: germline. Observed: 1 variant allele.
Comment: PP3, PM2_moderate

CeGaT Center for Human Genetics Tuebingen
Classification: Uncertain significance. Last evaluated: 2017-06-01. Review status: criteria provided, single submitter. Criteria: CeGaT Center For Human Genetics Tuebingen Variant Classification Criteria Version 2. Collection method: clinical testing. Allele origin: germline. Affected: yes. Observed: 1 variant allele.